The following is an entry in ClinVar:

NM_003072.5(SMARCA4):c.623G>A (p.Arg208Gln)

Gene: SMARCA4 (SWI/SNF related BAF chromatin remodeling complex subunit ATPase 4; plus strand). Cytogenetic location: 19p13.2.
Variant type: single nucleotide variant.
Coding change: c.623G>A on transcript NM_003072.5 (MANE Select); coding-DNA position 623, G replaced by A.
Protein change: p.Arg208Gln; replaces arginine 208 with glutamine.
Molecular consequence: missense variant. On other transcripts: non-coding transcript variant (1).
Genome position (GRCh38, 1-based): chr19:10,986,456, G>A. VCF-style: chr19-10986456-G-A. GRCh37 (hg19) VCF-style: chr19-11097132-G-A.
Other names: c.623G>A, p.Arg208Gln (NM_001128844.3, NM_001128845.2, NM_001128846.2 and 5 more transcripts); short protein forms R208Q.
Identifiers: ClinVar variation 480690 (VCV000480690.19), dbSNP rs769756381, ClinGen allele CA9203534.

ClinVar aggregate classification (germline): Conflicting classifications of pathogenicity. Review status: criteria provided, conflicting classifications (1 of 4 stars). 5 submissions from 5 submitters: Uncertain significance (4); Likely benign (1). Last evaluated 2026-07-06.

Conditions:
Hereditary cancer-predisposing syndrome. Also called: Tumor predisposition; Neoplastic Syndromes, Hereditary; Hereditary Cancer Syndrome; Hereditary neoplastic syndrome. Identifiers: Orphanet 140162, MedGen C0027672, MeSH D009386, MONDO:0015356.
Rhabdoid tumor predisposition syndrome 2 (RTPS2). Identifiers: Orphanet 231108, Orphanet 69077, MedGen C2750074, MONDO:0013224, OMIM 613325.
Intellectual disability, autosomal dominant 16 (CSS4). Also called: COFFIN-SIRIS SYNDROME 4. Identifiers: Orphanet 1465, MedGen C3553249, MONDO:0013821, OMIM 614609.

Allele frequency attached by ClinVar (database versions not stated): gnomAD exomes 0.00001 and below 0.00001; ExAC 0.00005.
gnomAD v4.1: 6 of 1,560,502 alleles (0.00038%); highest among the groups gnomAD compares: Non-Finnish European, 0.00052%; no homozygotes.

Submissions (5):

Myriad Genetics, Inc.
Classification: Likely benign for Rhabdoid tumor predisposition syndrome 2. Last evaluated: 2026-07-06. Review status: criteria provided, single submitter. Criteria: Myriad Autosomal Dominant, Autosomal Recessive and X-Linked Classification Criteria (2023). Collection method: clinical testing. Allele origin: unknown.
Comment: This variant is considered likely benign. This variant has been observed at a population frequency that is significantly greater than expected given the associated disease prevalence and penetrance.

Labcorp Genetics (formerly Invitae), Labcorp
Classification: Uncertain significance for Rhabdoid tumor predisposition syndrome 2. Last evaluated: 2025-02-13. Review status: criteria provided, single submitter. Criteria: Invitae Variant Classification Sherloc (09022015). Collection method: clinical testing. Allele origin: germline.
Comment: This sequence change replaces arginine, which is basic and polar, with glutamine, which is neutral and polar, at codon 208 of the SMARCA4 protein (p.Arg208Gln). This variant is present in population databases (rs769756381, gnomAD 0.003%). This variant has not been reported in the literature in individuals affected with SMARCA4-related conditions. ClinVar contains an entry for this variant (Variation ID: 480690). Invitae Evidence Modeling of protein sequence and biophysical properties (such as structural, functional, and spatial information, amino acid conservation, physicochemical variation, residue mobility, and thermodynamic stability) has been performed for this missense variant. However, the output from this modeling did not meet the statistical confidence thresholds required to predict the impact of this variant on SMARCA4 protein function. In summary, the available evidence is currently insufficient to determine the role of this variant in disease. Therefore, it has been classified as a Variant of Uncertain Significance.

Baylor Genetics
Classification: Uncertain significance for Rhabdoid tumor predisposition syndrome 2. Last evaluated: 2023-08-15. Review status: criteria provided, single submitter. Criteria: ACMG Guidelines, 2015. Collection method: clinical testing. Allele origin: unknown.

Genome-Nilou Lab
Classification: Uncertain significance for Intellectual disability, autosomal dominant 16. Last evaluated: 2021-07-15. Review status: criteria provided, single submitter. Criteria: ACMG Guidelines, 2015. Collection method: clinical testing. Allele origin: germline. Affected: no.

Ambry Genetics
Classification: Uncertain significance for Hereditary cancer-predisposing syndrome. Last evaluated: 2017-06-19. Review status: criteria provided, single submitter. Criteria: Ambry Variant Classification Scheme 2023. Collection method: clinical testing. Allele origin: germline.
Comment: The p.R208Q variant (also known as c.623G>A), located in coding exon 3 of the SMARCA4 gene, results from a G to A substitution at nucleotide position 623. The arginine at codon 208 is replaced by glutamine, an amino acid with highly similar properties. This amino acid position is highly conserved in available vertebrate species. In addition, the in silico prediction for this alteration is inconclusive. Since supporting evidence is limited at this time, the clinical significance of this alteration remains unclear.